The following is an entry in ClinVar:

NM_000075.4(CDK4):c.575C>G (p.Ala192Gly)

Gene: CDK4 (cyclin dependent kinase 4; minus strand). Cytogenetic location: 12q14.1.
Variant type: single nucleotide variant.
Coding change: c.575C>G on transcript NM_000075.4 (MANE Select); coding-DNA position 575, C replaced by G.
Protein change: p.Ala192Gly; replaces alanine 192 with glycine.
Molecular consequence: missense variant.
Genome position (GRCh38, 1-based): chr12:57,750,713, G>C on the plus strand (C>G on the coding strand, the complement: CDK4 is on the minus strand). VCF-style: chr12-57750713-G-C. GRCh37 (hg19) VCF-style: chr12-58144496-G-C.
Other names: short protein forms A192G.
Identifiers: ClinVar variation 1448697 (VCV001448697.10), dbSNP rs2140385751, ClinGen allele CA385545815.

ClinVar aggregate classification (germline): Uncertain significance. Review status: criteria provided, multiple submitters, no conflicts (2 of 4 stars). 2 submissions from 2 submitters: Uncertain significance (2). Last evaluated 2025-05-05.

Conditions:
Hereditary cancer-predisposing syndrome. Also called: Hereditary Cancer Syndrome; Hereditary neoplastic syndrome; Neoplastic Syndromes, Hereditary; Tumor predisposition. Identifiers: Orphanet 140162, MedGen C0027672, MeSH D009386, MONDO:0015356.
Familial melanoma. Also called: Hereditary melanoma; Hereditary cutaneous melanoma. Identifiers: Orphanet 618, MedGen C1512419, MONDO:0018961.

Submissions (2):

Labcorp Genetics (formerly Invitae), Labcorp
Classification: Uncertain significance for Familial melanoma. Last evaluated: 2025-05-05. Review status: criteria provided, single submitter. Criteria: Invitae Variant Classification Sherloc (09022015). Collection method: clinical testing. Allele origin: germline.
Comment: This sequence change replaces alanine, which is neutral and non-polar, with glycine, which is neutral and non-polar, at codon 192 of the CDK4 protein (p.Ala192Gly). This variant is not present in population databases (gnomAD no frequency). This variant has not been reported in the literature in individuals affected with CDK4-related conditions. ClinVar contains an entry for this variant (Variation ID: 1448697). Invitae Evidence Modeling of protein sequence and biophysical properties (such as structural, functional, and spatial information, amino acid conservation, physicochemical variation, residue mobility, and thermodynamic stability) indicates that this missense variant is not expected to disrupt CDK4 protein function with a negative predictive value of 95%. In summary, the available evidence is currently insufficient to determine the role of this variant in disease. Therefore, it has been classified as a Variant of Uncertain Significance.

Ambry Genetics
Classification: Uncertain significance for Hereditary cancer-predisposing syndrome. Last evaluated: 2020-10-28. Review status: criteria provided, single submitter. Criteria: Ambry Variant Classification Scheme 2023. Collection method: clinical testing. Allele origin: germline.
Comment: The p.A192G variant (also known as c.575C>G), located in coding exon 4 of the CDK4 gene, results from a C to G substitution at nucleotide position 575. The alanine at codon 192 is replaced by glycine, an amino acid with similar properties. This amino acid position is well conserved in available vertebrate species. In addition, the in silico prediction for this alteration is inconclusive. Since supporting evidence is limited at this time, the clinical significance of this alteration remains unclear.